The following is an entry in ClinVar:

ClinVar aggregate classification (germline): Uncertain significance (1 of 4 stars; one submission).

Conditions:
46,XY sex reversal 3. Also called: SEX REVERSAL, XY, WITH OR WITHOUT ADRENAL FAILURE; 46,XY SEX REVERSAL, PARTIAL OR COMPLETE, NR5A1-RELATED; 46,XY GONADAL DYSGENESIS, PARTIAL OR COMPLETE, WITH OR WITHOUT ADRENAL FAILURE; DISORDER OF SEX DEVELOPMENT, 46,XY, NR5A1-RELATED; NR5A1-related 46,XY complete gonadal dysgenesis. Identifiers: MedGen C3489793, MONDO:0013066, OMIM 612965.

Submission:

3billion
Classification: Uncertain significance for 46,XY sex reversal 3. Last evaluated: 2022-05-22. Review status: criteria provided, single submitter. Criteria: ACMG Guidelines, 2015. Collection method: clinical testing. Allele origin: germline. Affected: yes. Observed: 1 variant allele.
Comment: The variant is not observed in the gnomAD v2.1.1 dataset. Missense changes are a common disease-causing mechanism. In silico tool predictions suggest damaging effect of the variant on gene or gene product (REVEL: 0.82; 3Cnet: 0.41). Therefore, this variant is classified as uncertain significanceaccording to the recommendation of ACMG/AMP guideline.

NM_004959.5(NR5A1):c.284T>C (p.Phe95Ser)

Gene: NR5A1 (nuclear receptor subfamily 5 group A member 1; minus strand). Cytogenetic location: 9q33.3.
Variant type: single nucleotide variant.
Coding change: c.284T>C on transcript NM_004959.5 (MANE Select); coding-DNA position 284, T replaced by C.
Protein change: p.Phe95Ser; replaces phenylalanine 95 with serine.
Molecular consequence: missense variant.
Genome position (GRCh38, 1-based): chr9:124,500,676, A>G on the plus strand (T>C on the coding strand, the complement: NR5A1 is on the minus strand). VCF-style: chr9-124500676-A-G. GRCh37 (hg19) VCF-style: chr9-127262955-A-G.
Other names: short protein forms F95S.
Identifiers: ClinVar variation 1687253 (VCV001687253.1), dbSNP rs2131287358, ClinGen allele CA374888884.